The following is an entry in ClinVar:

ClinVar aggregate classification (germline): Uncertain significance (1 of 4 stars; one submission).

Submission:

Labcorp Genetics (formerly Invitae), Labcorp
Classification: Uncertain significance. Last evaluated: 2022-09-07. Review status: criteria provided, single submitter. Criteria: Invitae Variant Classification Sherloc (09022015). Collection method: clinical testing. Allele origin: germline.
Comment: This sequence change replaces alanine, which is neutral and non-polar, with valine, which is neutral and non-polar, at codon 1278 of the EYS protein (p.Ala1278Val). In summary, the available evidence is currently insufficient to determine the role of this variant in disease. Therefore, it has been classified as a Variant of Uncertain Significance. Algorithms developed to predict the effect of sequence changes on RNA splicing suggest that this variant may create or strengthen a splice site. Algorithms developed to predict the effect of missense changes on protein structure and function output the following: SIFT: "Deleterious"; PolyPhen-2: "Probably Damaging"; Align-GVGD: "Class C0". The valine amino acid residue is found in multiple mammalian species, which suggests that this missense change does not adversely affect protein function. ClinVar contains an entry for this variant (Variation ID: 1481929). This variant has not been reported in the literature in individuals affected with EYS-related conditions. This variant is not present in population databases (gnomAD no frequency).

NM_001142800.2(EYS):c.3833C>T (p.Ala1278Val)

Gene: EYS (eyes shut homolog; minus strand). Cytogenetic location: 6q12.
Variant type: single nucleotide variant.
Coding change: c.3833C>T on transcript NM_001142800.2 (MANE Select); coding-DNA position 3833, C replaced by T.
Protein change: p.Ala1278Val; replaces alanine 1278 with valine.
Molecular consequence: missense variant.
Genome position (GRCh38, 1-based): chr6:64,593,161, G>A on the plus strand (C>T on the coding strand, the complement: EYS is on the minus strand). VCF-style: chr6-64593161-G-A. GRCh37 (hg19) VCF-style: chr6-65303054-G-A.
Other names: c.3833C>T, p.Ala1278Val (NM_001292009.2); short protein forms A1278V.
Identifiers: ClinVar variation 1481929 (VCV001481929.5), dbSNP rs2149833286, ClinGen allele CA364784629.